The following is an entry in ClinVar:

ClinVar aggregate classification (germline): Conflicting classifications of pathogenicity. Review status: criteria provided, conflicting classifications (1 of 4 stars). 3 submissions from 3 submitters: Uncertain significance (1); Likely benign (1). 1 of the submissions does not count toward it. Last evaluated 2023-06-01.

Conditions:
Classic homocystinuria. Also called: Homocystinuria due to CBS deficiency; Cystathionine beta-synthase deficiency; CBS deficiency; HOMOCYSTINURIA WITH OR WITHOUT RESPONSE TO PYRIDOXINE; Homocystinuria due to Cystathionine Beta-Synthase Deficiency. Identifiers: Orphanet 394, MedGen C0751202, MONDO:0009352, OMIM 236200.
HYPERHOMOCYSTEINEMIA, THROMBOTIC, CBS-RELATED. Identifiers: MedGen C3150344, OMIM 236200.

Submissions (3):

CeGaT Center for Human Genetics Tuebingen
Classification: Likely benign. Last evaluated: 2023-06-01. Review status: criteria provided, single submitter. Criteria: CeGaT Center For Human Genetics Tuebingen Variant Classification Criteria Version 2. Collection method: clinical testing. Allele origin: germline. Affected: yes. Observed: 1 variant allele.
Comment: CBS: PM2:Supporting, BP4, BP7

Labcorp Genetics (formerly Invitae), Labcorp
Classification: Uncertain significance for HYPERHOMOCYSTEINEMIA, THROMBOTIC, CBS-RELATED. Last evaluated: 2021-06-30. Review status: criteria provided, single submitter. Criteria: Invitae Variant Classification Sherloc (09022015). Collection method: clinical testing. Allele origin: germline.
Comment: This sequence change affects codon 318 of the CBS mRNA. It is a 'silent' change, meaning that it does not change the encoded amino acid sequence of the CBS protein. This variant also falls at the last nucleotide of exon 10 of the CBS coding sequence, which is part of the consensus splice site for this exon. This variant is present in population databases (rs776122644, ExAC 0.002%). This variant has not been reported in the literature in individuals with CBS-related conditions. Nucleotide substitutions within the consensus splice site are a relatively common cause of aberrant splicing (PMID: 17576681, 9536098). Algorithms developed to predict the effect of sequence changes on RNA splicing suggest that this variant may disrupt the consensus splice site, but this prediction has not been confirmed by published transcriptional studies. In summary, the available evidence is currently insufficient to determine the role of this variant in disease. Therefore, it has been classified as a Variant of Uncertain Significance.

Natera, Inc.
Classification: Uncertain significance for Homocystinuria due to cystathionine beta-synthase deficiency. Last evaluated: 2020-09-16. Review status: no assertion criteria provided. Collection method: clinical testing. Allele origin: germline. Not counted in ClinVar's aggregate classification.

Literature cited by the submitters: PubMed 17576681 (cited by Labcorp Genetics (formerly Invitae), Labcorp); PubMed 9536098 (cited by Labcorp Genetics (formerly Invitae), Labcorp).

NM_000071.3(CBS):c.954G>A (p.Thr318=)

Gene: CBS (cystathionine beta-synthase; minus strand). Cytogenetic location: 21q22.3.
Variant type: single nucleotide variant.
Coding change: c.954G>A on transcript NM_000071.3 (MANE Select); coding-DNA position 954, G replaced by A.
Protein change: p.Thr318=; no amino-acid change (threonine 318 retained).
Molecular consequence: synonymous variant.
Genome position (GRCh38, 1-based): chr21:43,062,953, C>T on the plus strand (G>A on the coding strand, the complement: CBS is on the minus strand). VCF-style: chr21-43062953-C-T. GRCh37 (hg19) VCF-style: chr21-44483063-C-T.
Other names: c.954G>A, p.Thr318= (NM_001178008.3, NM_001178009.3, NM_001320298.2); c.639G>A, p.Thr213= (NM_001321072.1).
Identifiers: ClinVar variation 843740 (VCV000843740.32), dbSNP rs776122644, ClinGen allele CA321091258.